The following is an entry in ClinVar:

NM_000382.3(ALDH3A2):c.876_877insGTTGTATAAGAGAC (p.Ser293delinsValValTer)

Gene: ALDH3A2 (aldehyde dehydrogenase 3 family member A2; plus strand). Cytogenetic location: 17p11.2.
Variant type: Insertion.
Coding change: c.876_877insGTTGTATAAGAGAC on transcript NM_000382.3 (MANE Select); coding-DNA positions 876 to 877, GTTGTATAAGAGAC inserted.
Protein change: p.Ser293delinsValValTer.
Molecular consequence: nonsense.
Genome position: GRCh38 VCF-style: chr17-19661204-A-AGTTGTATAAGAGAC. GRCh37 (hg19) VCF-style: chr17-19564517-A-AGTTGTATAAGAGAC.
Other names: c.876_877insGTTGTATAAGAGAC, p.Ser293delinsValValTer (NM_001031806.2, NM_001369136.1, NM_001369137.2 and 3 more transcripts); c.297_298insGTTGTATAAGAGAC, p.Ser100delinsValValTer (NM_001369148.2).
Identifiers: ClinVar variation 5011266 (VCV005011266.1).

ClinVar aggregate classification (germline): Pathogenic (1 of 4 stars; one submission).

Conditions:
Sjögren-Larsson syndrome (SLS). Also called: FALDH DEFICIENCY; FATTY ALCOHOL:NAD+ OXIDOREDUCTASE DEFICIENCY; FATTY ALDEHYDE DEHYDROGENASE DEFICIENCY; ICHTHYOSIS, SPASTIC NEUROLOGIC DISORDER, AND OLIGOPHRENIA. Identifiers: Orphanet 816, MedGen C0037231, MONDO:0010031, OMIM 270200.

Submission:

Myriad Genetics, Inc.
Classification: Pathogenic for Sjögren-Larsson syndrome. Last evaluated: 2023-08-08. Review status: criteria provided, single submitter. Criteria: Myriad Autosomal Dominant, Autosomal Recessive and X-Linked Classification Criteria (2023). Collection method: clinical testing. Allele origin: unknown.
Comment: NM_000382.2(ALDH3A2):c.876_877ins14(S293Vfs*3) is expected to be pathogenic in the context of Sjogren-Larsson syndrome. This variant is predicted to lead to an abnormal or absent protein product due to the creation of a premature termination codon in ALDH3A2, a gene where loss-of-function variants are known to be pathogenic. Please note: this variant was assessed in the context of healthy population screening.